The following is an entry in ClinVar:

ClinVar aggregate classification (germline): Uncertain significance (1 of 4 stars; one submission).

Submission:

Labcorp Genetics (formerly Invitae), Labcorp
Classification: Uncertain significance. Last evaluated: 2026-01-23. Review status: criteria provided, single submitter. Criteria: Invitae Variant Classification Sherloc (09022015). Collection method: clinical testing. Allele origin: germline.
Comment: This sequence change replaces leucine, which is neutral and non-polar, with histidine, which is basic and polar, at codon 537 of the RECQL protein (p.Leu537His). This variant is not present in population databases (gnomAD no frequency). This variant has not been reported in the literature in individuals affected with RECQL-related conditions. Invitae Evidence Modeling of protein sequence and biophysical properties (such as structural, functional, and spatial information, amino acid conservation, physicochemical variation, residue mobility, and thermodynamic stability) indicates that this missense variant is not expected to disrupt RECQL protein function with a negative predictive value of 80%. In summary, the available evidence is currently insufficient to determine the role of this variant in disease. Therefore, it has been classified as a Variant of Uncertain Significance.

NM_002907.4(RECQL):c.1610T>A (p.Leu537His)

Gene: RECQL (RecQ like helicase; minus strand). Cytogenetic location: 12p12.1.
Variant type: single nucleotide variant.
Coding change: c.1610T>A on transcript NM_002907.4 (MANE Select); coding-DNA position 1610, T replaced by A.
Protein change: p.Leu537His; replaces leucine 537 with histidine.
Molecular consequence: missense variant.
Genome position (GRCh38, 1-based): chr12:21,471,485, A>T on the plus strand (T>A on the coding strand, the complement: RECQL is on the minus strand). VCF-style: chr12-21471485-A-T. GRCh37 (hg19) VCF-style: chr12-21624419-A-T.
Other names: c.1610T>A, p.Leu537His (NM_032941.3); short protein forms L537H.
Identifiers: ClinVar variation 4706412 (VCV004706412.1).